The following is an entry in ClinVar:

NM_016818.3(ABCG1):c.1072G>A (p.Gly358Arg)

Gene: ABCG1 (ATP binding cassette subfamily G member 1; plus strand). Cytogenetic location: 21q22.3.
Variant type: single nucleotide variant.
Coding change: c.1072G>A on transcript NM_016818.3 (MANE Select); coding-DNA position 1072, G replaced by A.
Protein change: p.Gly358Arg; replaces glycine 358 with arginine.
Molecular consequence: missense variant.
Genome position (GRCh38, 1-based): chr21:42,287,987, G>A. VCF-style: chr21-42287987-G-A. GRCh37 (hg19) VCF-style: chr21-43708097-G-A.
Other names: c.1072G>A, p.Gly358Arg (NM_004915.4); c.1105G>A, p.Gly369Arg (NM_207174.1); c.1078G>A, p.Gly360Arg (NM_207627.2); c.1006G>A, p.Gly336Arg (NM_207628.1); c.1063G>A, p.Gly355Arg (NM_207629.2); short protein forms G336R, G355R, G358R, G360R, G369R.
Identifiers: ClinVar variation 3035558 (VCV003035558.2), dbSNP rs151254598, ClinGen allele CA10041279.

ClinVar aggregate classification (germline): Benign (0 of 4 stars; one submission).

Conditions:
ABCG1-related disorder. Also called: ABCG1-related condition.

Allele frequency attached by ClinVar (database versions not stated): gnomAD exomes 0.00035; gnomAD 0.00062; ExAC 0.00069; TOPMed 0.00091; ESP Exome Variant Server 0.00092.
gnomAD v4.1: 651 of 1,613,518 alleles (0.04%); highest among the groups gnomAD compares: Middle Eastern, 0.12%; 6 homozygotes.

Submission:

PreventionGenetics, part of Exact Sciences
Classification: Benign for ABCG1-related condition. Last evaluated: 2019-10-01. Review status: no assertion criteria provided. Collection method: clinical testing. Allele origin: germline.
Comment: This variant is classified as benign based on ACMG/AMP sequence variant interpretation guidelines (Richards et al. 2015 PMID: 25741868, with internal and published modifications).